The following is an entry in ClinVar:

ClinVar aggregate classification (germline): Uncertain significance. Review status: criteria provided, multiple submitters, no conflicts (2 of 4 stars). 2 submissions from 2 submitters: Uncertain significance (2). Last evaluated 2025-12-22.

Conditions:
Primary familial hypertrophic cardiomyopathy (HCM). Identifiers: Orphanet 99739, MedGen C0949658, MeSH D024741, MONDO:0024573. Inheritance: Various modes of inheritance.
Hypertrophic cardiomyopathy 25 (CMH25). Also called: CARDIOMYOPATHY, FAMILIAL HYPERTROPHIC, 25. Identifiers: MedGen C4225408, MONDO:0011843, OMIM 607487.
Cardiovascular phenotype. Identifiers: MedGen CN230736.

Allele frequency attached by ClinVar (database versions not stated): gnomAD 0.00001.

Submissions (2):

Labcorp Genetics (formerly Invitae), Labcorp
Classification: Uncertain significance for Hypertrophic cardiomyopathy 25; Primary familial hypertrophic cardiomyopathy. Last evaluated: 2025-12-22. Review status: criteria provided, single submitter. Criteria: Invitae Variant Classification Sherloc (09022015). Collection method: clinical testing. Allele origin: germline.
Comment: This sequence change replaces arginine, which is basic and polar, with histidine, which is basic and polar, at codon 17 of the TCAP protein (p.Arg17His). This variant is present in population databases (rs750796201, gnomAD 0.01%). This variant has not been reported in the literature in individuals affected with TCAP-related conditions. ClinVar contains an entry for this variant (Variation ID: 2202667). An algorithm developed to predict the effect of missense changes on protein structure and function outputs the following: PolyPhen-2: "Benign". The histidine amino acid residue is found in multiple mammalian species, which suggests that this missense change does not adversely affect protein function. In summary, the available evidence is currently insufficient to determine the role of this variant in disease. Therefore, it has been classified as a Variant of Uncertain Significance.

Ambry Genetics
Classification: Uncertain significance for Cardiovascular phenotype. Last evaluated: 2023-12-16. Review status: criteria provided, single submitter. Criteria: Ambry Variant Classification Scheme 2023. Collection method: clinical testing. Allele origin: germline.
Comment: The p.R17H variant (also known as c.50G>A), located in coding exon 1 of the TCAP gene, results from a G to A substitution at nucleotide position 50. The arginine at codon 17 is replaced by histidine, an amino acid with highly similar properties. This amino acid position is conserved. In addition, the in silico prediction for this alteration is inconclusive. Since supporting evidence is limited at this time, the clinical significance of this alteration remains unclear.

NM_003673.4(TCAP):c.50G>A (p.Arg17His)

Gene: TCAP (titin-cap; plus strand). Cytogenetic location: 17q12.
Variant type: single nucleotide variant.
Coding change: c.50G>A on transcript NM_003673.4 (MANE Select); coding-DNA position 50, G replaced by A.
Protein change: p.Arg17His; replaces arginine 17 with histidine.
Molecular consequence: missense variant.
Genome position (GRCh38, 1-based): chr17:39,665,409, G>A. VCF-style: chr17-39665409-G-A. GRCh37 (hg19) VCF-style: chr17-37821662-G-A.
Other names: short protein forms R17H.
Identifiers: ClinVar variation 2202667 (VCV002202667.5), dbSNP rs750796201, ClinGen allele CA8532825.
Genomic context (GRCh38, chr17:39,665,409, plus strand): 5'-GAGGAGTGATCATGGCTACCTCAGAGCTGAGCTGCGAGGTGTCGGAGGAGAACTGTGAGC[G>A]CCGGGAGGCCTTCTGGGCAGAATGGAAGGATCTGACACTGTCCACACGGCCCGAGGAGGG-3'
Protein context (NP_003664.1, residues 7-27): SCEVSEENCE[Arg17His]REAFWAEWKD